The following is an entry in ClinVar:

NM_000516.7(GNAS):c.290del (p.Asn97fs)

Gene: GNAS (GNAS complex locus; plus strand). Cytogenetic location: 20q13.32.
Variant type: Deletion.
Coding change: c.290del on transcript NM_000516.7 (MANE Select); coding-DNA position 290, one base deleted (A; older notation c.290delA).
Protein change: p.Asn97fs; shifts the reading frame from asparagine 97.
Molecular consequence: frameshift variant. On other transcripts: 3 prime UTR variant (2).
Genome position (GRCh38, 1-based): chr20:58,903,563, A deleted; the last of 5 consecutive A bases (chr20:58,903,559-58,903,563); deleting any one gives the same sequence. VCF-style (leftmost placement, unchanged base first): chr20-58903558-CA-C. GRCh37 (hg19) VCF-style: chr20-57478613-CA-C.
Other names: c.293del, p.Asn98fs (NM_001077488.5); c.245del, p.Asn82fs (NM_001077489.4); c.*151del (NM_001077490.3); c.113del, p.Asn38fs (NM_001309840.2, NM_001309861.2, NM_001438276.1 and 1 more transcripts); c.194del, p.Asn65fs (NM_001410912.1); c.2174del, p.Asn725fs (NM_001410913.1); c.68del, p.Asn23fs (NM_001438273.1, NM_001438274.1, NM_001438275.1); c.*196del (NM_016592.5); and 2 more; short protein forms N725fs, N98fs, N23fs, N38fs, N83fs, N65fs, N740fs, N82fs.
Identifiers: ClinVar variation 4993089 (VCV004993089.1).
Genomic context (GRCh38, chr20:58,903,558, plus strand): 5'-TATGATTTTCTTTTCTTTTCAATCCCACTGCAGTGAGAAGGCAACCAAAGTGCAGGACAT[CA>C]AAAACAACCTGAAAGAGGCGATTGAAGTACGTGCTGGCTCCTTGTGCTGTCTGTCTTGTA-3'

ClinVar aggregate classification (germline): Likely pathogenic (1 of 4 stars; one submission).

Conditions:
GNAS-related disorder. Identifiers: MedGen CN380105.

Submission:

PreventionGenetics, part of Exact Sciences
Classification: Likely pathogenic for GNAS-related condition. Last evaluated: 2026-09-12. Review status: criteria provided, single submitter. Criteria: ACMG Guidelines, 2015. Collection method: clinical testing. Allele origin: germline.
Comment: The GNAS c.290delA variant is predicted to result in a frameshift and premature protein termination (p.Asn97Thrfs*3). To our knowledge, this variant has not been reported in the literature or in a large population database (gnomAD), indicating this variant is rare. Frameshift variants in GNAS are expected to be pathogenic. This variant is interpreted as likely pathogenic.